The following is an entry in ClinVar:

NM_004612.4(TGFBR1):c.617T>C (p.Val206Ala)

Gene: TGFBR1 (transforming growth factor beta receptor 1; plus strand). Cytogenetic location: 9q22.33.
Variant type: single nucleotide variant.
Coding change: c.617T>C on transcript NM_004612.4 (MANE Select); coding-DNA position 617, T replaced by C.
Protein change: p.Val206Ala; replaces valine 206 with alanine.
Molecular consequence: missense variant.
Genome position (GRCh38, 1-based): chr9:99,137,901, T>C. VCF-style: chr9-99137901-T-C. GRCh37 (hg19) VCF-style: chr9-101900183-T-C.
Other names: c.386T>C, p.Val129Ala (NM_001130916.3); c.629T>C, p.Val210Ala (NM_001306210.2); short protein forms V210A, V129A, V206A.
Identifiers: ClinVar variation 923886 (VCV000923886.5), dbSNP rs1827484742, ClinGen allele CA374229442.
Genomic context (GRCh38, chr9:99,137,901, plus strand): 5'-ATTTATTTTTACCTTTAGGTTTACCATTGCTTGTTCAGAGAACAATTGCGAGAACTATTG[T>C]GTTACAAGAAAGCATTGGCAAAGGTCGATTTGGAGAAGTTTGGAGAGGAAAGTGGCGGGG-3'
Protein context (NP_004603.1, residues 196-216): LVQRTIARTI[Val206Ala]LQESIGKGRF

ClinVar aggregate classification (germline): Uncertain significance (1 of 4 stars; one submission).

Conditions:
Familial thoracic aortic aneurysm and aortic dissection (TAAD). Also called: Thoracic aortic aneurysms and dissections. Identifiers: Orphanet 91387, MedGen C4707243, MONDO:0019625.

Allele frequency attached by ClinVar (database versions not stated): gnomAD exomes below 0.00001.
gnomAD v4.1: 6 of 1,614,074 alleles (0.00037%); highest among the groups gnomAD compares: South Asian, 0.0066%; no homozygotes.

Submission:

Color Diagnostics, LLC DBA Color Health
Classification: Uncertain significance for Familial thoracic aortic aneurysm and aortic dissection. Last evaluated: 2023-12-05. Review status: criteria provided, single submitter. Criteria: ACMG Guidelines, 2015. Collection method: clinical testing. Allele origin: germline.
Comment: This missense variant replaces valine with alanine at codon 206 of the TGFBR1 protein. Computational prediction tools and conservation analyses are inconclusive regarding the impact of this variant on the protein function. Computational splicing tools suggest that this variant may not impact RNA splicing. To our knowledge, functional assays have not been performed for this variant nor has this variant been reported in individuals affected with cardiovascular disorders in the literature. This variant has not been identified in the general population by the Genome Aggregation Database (gnomAD). Available evidence is insufficient to determine the role of this variant in disease conclusively. Therefore, this variant is classified as a Variant of Uncertain Significance.